The following is an entry in ClinVar:

Conditions:
Long QT syndrome 5 (LQT5). Identifiers: Orphanet 101016, Orphanet 768, MedGen C1867904, MONDO:0013372, OMIM 613695.

Submission:

Roden Lab, Vanderbilt University Medical Center
No classification provided (evidence only). Condition: Long QT syndrome 5. Review status: no classification provided. Collection method: in vitro. Allele origin: not applicable. Functional consequence: Effect on ion channel function.
ClinVar note: "not provided" was previously submitted as the classification for the variant. However, the classification appeared to be based only on an observation of functional data so it was converted to no classification on 2025-07-30.

NM_000219.6(KCNE1):c.269A>C (p.Lys90Thr)

Gene: KCNE1 (potassium voltage-gated channel subfamily E regulatory subunit 1; minus strand). Cytogenetic location: 21q22.12.
Variant type: single nucleotide variant.
Coding change: c.269A>C on transcript NM_000219.6 (MANE Select); coding-DNA position 269, A replaced by C.
Protein change: p.Lys90Thr; replaces lysine 90 with threonine.
Molecular consequence: missense variant.
Genome position (GRCh38, 1-based): chr21:34,449,366, T>G on the plus strand (A>C on the coding strand, the complement: KCNE1 is on the minus strand). VCF-style: chr21-34449366-T-G. GRCh37 (hg19) VCF-style: chr21-35821664-T-G.
Other names: c.269A>C, p.Lys90Thr (NM_001127668.4, NM_001127669.4, NM_001127670.4 and 4 more transcripts); short protein forms K90T.
Identifiers: ClinVar variation 3374487 (VCV003374487.2).
Genomic context (GRCh38, chr21:34,449,366, plus strand): 5'-TCAACGACATAGCACGACCTGTAGCTCTCCAGGACCCGGGCCTGGACATAGGCCTTGTCC[T>G]TCTCTTGCCAGGCATCGGACTCGATGTAGACGTTGAATGGGTCGTTCGAGTGCTCCAGCT-3'
Protein context (NP_000210.2, residues 80-100): VYIESDAWQE[Lys90Thr]DKAYVQARVL